The following is an entry in ClinVar:

ClinVar aggregate classification (germline): Uncertain significance. Review status: criteria provided, multiple submitters, no conflicts (2 of 4 stars). 2 submissions from 2 submitters: Uncertain significance (2). Last evaluated 2024-07-16.

Conditions:
Inborn genetic diseases. Identifiers: MedGen C0950123, MeSH D030342.

Allele frequency attached by ClinVar (database versions not stated): TOPMed 0.00002.

Submissions (2):

Labcorp Genetics (formerly Invitae), Labcorp
Classification: Uncertain significance. Last evaluated: 2024-07-16. Review status: criteria provided, single submitter. Criteria: Invitae Variant Classification Sherloc (09022015). Collection method: clinical testing. Allele origin: germline.
Comment: This sequence change replaces alanine, which is neutral and non-polar, with threonine, which is neutral and polar, at codon 576 of the MAGEL2 protein (p.Ala576Thr). This variant is not present in population databases (gnomAD no frequency). This variant has not been reported in the literature in individuals affected with MAGEL2-related conditions. ClinVar contains an entry for this variant (Variation ID: 2494400). Advanced modeling of protein sequence and biophysical properties (such as structural, functional, and spatial information, amino acid conservation, physicochemical variation, residue mobility, and thermodynamic stability) performed at Invitae indicates that this missense variant is not expected to disrupt MAGEL2 protein function with a negative predictive value of 80%. In summary, the available evidence is currently insufficient to determine the role of this variant in disease. Therefore, it has been classified as a Variant of Uncertain Significance.

Ambry Genetics
Classification: Uncertain significance for Inborn genetic diseases. Last evaluated: 2023-03-06. Review status: criteria provided, single submitter. Criteria: Ambry Variant Classification Scheme 2023. Collection method: clinical testing. Allele origin: germline.

NM_019066.5(MAGEL2):c.1726G>A (p.Ala576Thr)

Gene: MAGEL2 (MAGE family member L2; minus strand). Cytogenetic location: 15q11.2.
Variant type: single nucleotide variant.
Coding change: c.1726G>A on transcript NM_019066.5 (MANE Select); coding-DNA position 1726, G replaced by A.
Protein change: p.Ala576Thr; replaces alanine 576 with threonine.
Molecular consequence: missense variant.
Genome position (GRCh38, 1-based): chr15:23,646,017, C>T on the plus strand (G>A on the coding strand, the complement: MAGEL2 is on the minus strand). VCF-style: chr15-23646017-C-T. GRCh37 (hg19) VCF-style: chr15-23891164-C-T.
Other names: short protein forms A576T.
Identifiers: ClinVar variation 2494400 (VCV002494400.5), dbSNP rs890001789, ClinGen allele CA267660155.
Genomic context (GRCh38, chr15:23,646,017, plus strand): 5'-CCGGGGGCTGACCTTTGGGGGCCTGCCAGATGATGGAAGGGCAGTGCACAGCCTGCGGGG[C>T]AGACAGTGGGGCAGACAGCGGGGCCGGCAGCACAGGCTGGGGCACCTGCGGGCCAGCGGG-3'
Protein context (NP_061939.3, residues 566-586): LPAPLSAPLS[Ala576Thr]PQAVHCPSII